The following is an entry in ClinVar:

NM_001267550.2(TTN):c.76513_76514dup (p.Leu25505fs)

Genes: TTN (titin; minus strand), TTN-AS1 (TTN antisense RNA 1; plus strand). Cytogenetic location: 2q31.2.
Variant type: Duplication.
Coding change: c.76513_76514dup on transcript NM_001267550.2 (MANE Select); coding-DNA positions 76513 to 76514, 2 bases duplicated (TT; older notation c.76513_76514dupTT).
Protein change: p.Leu25505fs; shifts the reading frame from leucine 25505.
Molecular consequence: frameshift variant.
Genome position (GRCh38, 1-based): chr2:178,569,618-178,569,619, AA duplicated on the plus strand (TT on the coding strand, the reverse complement: TTN is on the minus strand). VCF-style (leftmost placement, unchanged base first): chr2-178569617-T-TAA. GRCh37 (hg19) VCF-style: chr2-179434344-T-TAA.
Other names: c.71590_71591dup, p.Leu23864fs (NM_001256850.1); c.49318_49319dup, p.Leu16440fs (NM_003319.4); c.68809_68810dup, p.Leu22937fs (NM_133378.4); c.49693_49694dup, p.Leu16565fs (NM_133432.3); c.49894_49895dup, p.Leu16632fs (NM_133437.4); short protein forms L16632fs, L25505fs, L16565fs, L16440fs, L22937fs, L23864fs.
Identifiers: ClinVar variation 2945728 (VCV002945728.3), dbSNP rs2468414271, ClinGen allele CA2740096341.
Genomic context (GRCh38, chr2:178,569,617, plus strand): 5'-ACCTGCCCTTATATTTATGATTTTCCTTAGTTCTAGGTCAAGATCAATGTCTGGTGCTTC[T>TAA]AATTTTTCTTCAACTATAATAGGTCCAGGGACGTCAGCATGTTCTCCAACTCCAGCTTTA-3'

ClinVar aggregate classification (germline): Likely pathogenic (1 of 4 stars; one submission).

Conditions:
Dilated cardiomyopathy 1G (CMD1G). Identifiers: Orphanet 154, MedGen C1858763, MONDO:0011400, OMIM 604145.
Autosomal recessive limb-girdle muscular dystrophy type 2J (LGMDR10). Also called: Limb-girdle muscular dystrophy, type 2J; MUSCULAR DYSTROPHY, LIMB-GIRDLE, AUTOSOMAL RECESSIVE 10. Identifiers: Orphanet 140922, MedGen C1837342, MONDO:0012127, OMIM 608807.

Submission:

Labcorp Genetics (formerly Invitae), Labcorp
Classification: Likely pathogenic for Dilated cardiomyopathy 1G; Autosomal recessive limb-girdle muscular dystrophy type 2J. Last evaluated: 2023-03-24. Review status: criteria provided, single submitter. Criteria: Invitae Variant Classification Sherloc (09022015). Collection method: clinical testing. Allele origin: germline.
Comment: In summary, the currently available evidence indicates that the variant is pathogenic, but additional data are needed to prove that conclusively. Therefore, this variant has been classified as Likely Pathogenic. This variant is located in the A band of TTN (PMID: 25589632). Truncating variants in this region are significantly overrepresented in patients affected with dilated cardiomyopathy (PMID: 25589632). Truncating variants in this region have also been reported in individuals affected with autosomal recessive centronuclear myopathy (PMID: 23975875). This variant has not been reported in the literature in individuals affected with TTN-related conditions. This variant is not present in population databases (gnomAD no frequency). This sequence change creates a premature translational stop signal (p.Leu25505Phefs*2) in the TTN gene. While this is not anticipated to result in nonsense mediated decay, it is expected to create a truncated TTN protein.

Literature cited by the submitters: PubMed 25589632; PubMed 23975875.